The following is an entry in ClinVar:

NM_017777.4(MKS1):c.579C>G (p.Asn193Lys)

Gene: MKS1 (MKS transition zone complex subunit 1; minus strand). Cytogenetic location: 17q22.
Variant type: single nucleotide variant.
Coding change: c.579C>G on transcript NM_017777.4 (MANE Select); coding-DNA position 579, C replaced by G.
Protein change: p.Asn193Lys; replaces asparagine 193 with lysine.
Molecular consequence: missense variant. On other transcripts: 5 prime UTR variant (1).
Genome position (GRCh38, 1-based): chr17:58,214,324, G>C on the plus strand (C>G on the coding strand, the complement: MKS1 is on the minus strand). VCF-style: chr17-58214324-G-C. GRCh37 (hg19) VCF-style: chr17-56291685-G-C.
Other names: c.-31C>G (NM_001321268.2); c.579C>G, p.Asn193Lys (NM_001321269.2, NM_001330397.2); c.579C>G (NM_017777.3); short protein forms N193K.
Identifiers: ClinVar variation 501712 (VCV000501712.9), dbSNP rs1206983556, ClinGen allele CA400326963.

ClinVar aggregate classification (germline): Uncertain significance. Review status: criteria provided, multiple submitters, no conflicts (2 of 4 stars). 4 submissions from 4 submitters: Uncertain significance (3). 1 of the submissions does not count toward it. Last evaluated 2025-09-10.

Conditions:
MKS1-related disorder. Also called: MKS1-related condition; MKS1-related disorders. Identifiers: MedGen CN239382.
Meckel syndrome, type 1 (MKS1). Also called: MECKEL-GRUBER SYNDROME, TYPE 1. Identifiers: Orphanet 564, MedGen C3714506, MONDO:0009571, OMIM 249000.
Inborn genetic diseases. Identifiers: MedGen C0950123, MeSH D030342.

Allele frequency attached by ClinVar (database versions not stated): TOPMed 0.00002.
gnomAD v4.1: 1 of 1,614,052 alleles (0.000062%); highest among the groups gnomAD compares: Admixed American, 0.0017%; no homozygotes.

Submissions (4):

Ambry Genetics
Classification: Uncertain significance for Inborn genetic diseases. Last evaluated: 2025-09-10. Review status: criteria provided, single submitter. Criteria: Ambry Variant Classification Scheme 2023. Collection method: clinical testing. Allele origin: germline.

PreventionGenetics, part of Exact Sciences
Classification: Uncertain significance for MKS1-related condition. Last evaluated: 2025-07-19. Review status: criteria provided, single submitter. Criteria: ACMG Guidelines, 2015. Collection method: clinical testing. Allele origin: germline.
Comment: The MKS1 c.579C>G variant is predicted to result in the amino acid substitution p.Asn193Lys. To our knowledge, this variant has not been reported in the literature or in a large population database, indicating this variant is rare. At this time, the clinical significance of this variant is uncertain due to the absence of conclusive functional and genetic evidence.

Eurofins Ntd Llc (ga)
Classification: Uncertain significance. Last evaluated: 2017-05-02. Review status: criteria provided, single submitter. Criteria: EGL Classification Definitions 2015. Collection method: clinical testing. Allele origin: germline. Observed: 1 variant allele, 1 heterozygote.

Natera, Inc.
Classification: Uncertain significance for Meckel syndrome type 1. Last evaluated: 2020-08-14. Review status: no assertion criteria provided. Collection method: clinical testing. Allele origin: germline. Not counted in ClinVar's aggregate classification.